The following is an entry in ClinVar:

ClinVar aggregate classification (germline): Likely benign (1 of 4 stars; one submission).

Allele frequency attached by ClinVar (database versions not stated): 1000 Genomes Project 0.00100; 1000 Genomes Project 30x 0.00125; TOPMed 0.00400; gnomAD 0.00406.
gnomAD v4.1: 613 of 152,332 alleles (0.4%); highest among the groups gnomAD compares: Middle Eastern, 0.68%; 2 homozygotes.

Submission:

CeGaT Center for Human Genetics Tuebingen
Classification: Likely benign. Last evaluated: 2025-07-01. Review status: criteria provided, single submitter. Criteria: CeGaT Center For Human Genetics Tuebingen Variant Classification Criteria Version 2. Collection method: clinical testing. Allele origin: germline. Affected: yes. Observed: 4 variant alleles.
Comment: ETV6: BS1

NM_001987.5(ETV6):c.1152+512G>A

Genes: ETV6 (ETS variant transcription factor 6; plus strand), LOC126861452 (CDK7 strongly-dependent group 2 enhancer GRCh37_chr12:12037195-12038394; plus strand). Cytogenetic location: 12p13.2.
Variant type: single nucleotide variant.
Coding change: c.1152+512G>A on transcript NM_001987.5 (MANE Select); 512 bases into the intron after coding-DNA position 1152, G replaced by A.
Molecular consequence: intron variant.
Genome position (GRCh38, 1-based): chr12:11,885,099, G>A. VCF-style: chr12-11885099-G-A. GRCh37 (hg19) VCF-style: chr12-12038033-G-A.
Other names: c.1125+512G>A (NM_001413914.1); c.1010-5842G>A (NM_001413917.1); c.1149+512G>A (NM_001413913.1); c.888+512G>A (NM_001413915.1).
Identifiers: ClinVar variation 2642732 (VCV002642732.24), dbSNP rs187515408, ClinGen allele CA13580016.